The following is an entry in ClinVar:

ClinVar aggregate classification (germline): Pathogenic (1 of 4 stars; one submission).

Submission:

Labcorp Genetics (formerly Invitae), Labcorp
Classification: Pathogenic. Last evaluated: 2022-08-17. Review status: criteria provided, single submitter. Criteria: Invitae Variant Classification Sherloc (09022015). Collection method: clinical testing. Allele origin: germline.
Comment: This variant is not present in population databases (gnomAD no frequency). This sequence change creates a premature translational stop signal (p.Glu3905*) in the ADGRV1 gene. It is expected to result in an absent or disrupted protein product. Loss-of-function variants in ADGRV1 are known to be pathogenic (PMID: 19357117, 22135276, 22147658, 26226137, 30718709, 31047384, 32467589). This variant has not been reported in the literature in individuals affected with ADGRV1-related conditions. For these reasons, this variant has been classified as Pathogenic. Algorithms developed to predict the effect of sequence changes on RNA splicing suggest that this variant may disrupt the consensus splice site.

Literature cited by the submitters: PubMed 19357117; PubMed 22135276; PubMed 22147658; PubMed 26226137; PubMed 30718709; PubMed 31047384; PubMed 32467589.

NM_032119.4(ADGRV1):c.11713G>T (p.Glu3905Ter)

Gene: ADGRV1 (adhesion G protein-coupled receptor V1; plus strand). Cytogenetic location: 5q14.3.
Variant type: single nucleotide variant.
Coding change: c.11713G>T on transcript NM_032119.4 (MANE Select); coding-DNA position 11713, G replaced by T.
Protein change: p.Glu3905Ter; replaces glutamic acid 3905 with a stop codon.
Molecular consequence: nonsense. On other transcripts: non-coding transcript variant (1).
Genome position (GRCh38, 1-based): chr5:90,756,586, G>T. VCF-style: chr5-90756586-G-T. GRCh37 (hg19) VCF-style: chr5-90052403-G-T.
Other names: short protein forms E3905*.
Identifiers: ClinVar variation 2024394 (VCV002024394.4), dbSNP rs2531646837, ClinGen allele CA360369965.
Genomic context (GRCh38, chr5:90,756,586, plus strand): 5'-TCTACAGGACAGCCAAGTGTGCGGAGGCCCGGAATGGAAATAGCTGAGATAATGATAGAA[G>T]AAAATGACGATCCCAGAGGAATTTTTATGTTTCATGTTACTAGAGTGAGATGAACTTTCA-3'